The following is an entry in ClinVar:

ClinVar aggregate classification (germline): Uncertain significance. Review status: criteria provided, multiple submitters, no conflicts (2 of 4 stars). 2 submissions from 2 submitters: Uncertain significance (2). Last evaluated 2025-04-11.

Conditions:
Gastrointestinal stromal tumor. Also called: Gastrointestinal stroma tumor; Gastrointestinal stromal tumor, somatic. Identifiers: Orphanet 44890, MedGen C0238198, MeSH D046152, MONDO:0011719, OMIM 606764, HP:0100723.
Hereditary cancer-predisposing syndrome. Also called: Hereditary neoplastic syndrome; Neoplastic Syndromes, Hereditary; Hereditary Cancer Syndrome; Tumor predisposition. Identifiers: Orphanet 140162, MedGen C0027672, MeSH D009386, MONDO:0015356.

Submissions (2):

Ambry Genetics
Classification: Uncertain significance for Hereditary cancer-predisposing syndrome. Last evaluated: 2025-04-11. Review status: criteria provided, single submitter. Criteria: Ambry Variant Classification Scheme 2023. Collection method: clinical testing. Allele origin: germline.
Comment: The p.P969A variant (also known as c.2905C>G), located in coding exon 21 of the KIT gene, results from a C to G substitution at nucleotide position 2905. The proline at codon 969 is replaced by alanine, an amino acid with highly similar properties. This amino acid position is conserved. In addition, the in silico prediction for this alteration is inconclusive. Based on the available evidence, the clinical significance of this variant remains unclear.

Labcorp Genetics (formerly Invitae), Labcorp
Classification: Uncertain significance for Gastrointestinal stromal tumor. Last evaluated: 2022-05-10. Review status: criteria provided, single submitter. Criteria: Invitae Variant Classification Sherloc (09022015). Collection method: clinical testing. Allele origin: germline.
Comment: In summary, the available evidence is currently insufficient to determine the role of this variant in disease. Therefore, it has been classified as a Variant of Uncertain Significance. Algorithms developed to predict the effect of missense changes on protein structure and function (SIFT, PolyPhen-2, Align-GVGD) all suggest that this variant is likely to be disruptive. This variant has not been reported in the literature in individuals affected with KIT-related conditions. This variant is not present in population databases (gnomAD no frequency). This sequence change replaces proline, which is neutral and non-polar, with alanine, which is neutral and non-polar, at codon 969 of the KIT protein (p.Pro969Ala).

NM_000222.3(KIT):c.2905C>G (p.Pro969Ala)

Gene: KIT (KIT proto-oncogene, receptor tyrosine kinase; plus strand). Cytogenetic location: 4q12.
Variant type: single nucleotide variant.
Coding change: c.2905C>G on transcript NM_000222.3 (MANE Select); coding-DNA position 2905, C replaced by G.
Protein change: p.Pro969Ala; replaces proline 969 with alanine.
Molecular consequence: missense variant.
Genome position (GRCh38, 1-based): chr4:54,738,531, C>G. VCF-style: chr4-54738531-C-G. GRCh37 (hg19) VCF-style: chr4-55604697-C-G.
Other names: c.2893C>G, p.Pro965Ala (NM_001093772.2, NM_001385292.1); c.2908C>G, p.Pro970Ala (NM_001385284.1); c.2902C>G, p.Pro968Ala (NM_001385285.1); c.2890C>G, p.Pro964Ala (NM_001385286.1); c.2896C>G, p.Pro966Ala (NM_001385288.1); c.2905C>G, p.Pro969Ala (NM_001385290.1); short protein forms P965A, P970A, P964A, P969A, P966A, P968A.
Identifiers: ClinVar variation 2059936 (VCV002059936.5), dbSNP rs1723061048, ClinGen allele CA356916536.
Genomic context (GRCh38, chr4:54,738,531, plus strand): 5'-CCCGTGGTAGACCATTCTGTGCGGATCAATTCTGTCGGCAGCACCGCTTCCTCCTCCCAG[C>G]CTCTGCTTGTGCACGACGATGTCTGAGCAGAATCAGTGTTTGGGTCACCCCTCCAGGAAT-3'
Protein context (NP_000213.1, residues 959-976): SVGSTASSSQ[Pro969Ala]LLVHDDV